The following is an entry in ClinVar:

NM_001113378.2(FANCI):c.93T>G (p.Asn31Lys)

Gene: FANCI (FA complementation group I; plus strand). Cytogenetic location: 15q26.1.
Variant type: single nucleotide variant.
Coding change: c.93T>G on transcript NM_001113378.2 (MANE Select); coding-DNA position 93, T replaced by G.
Protein change: p.Asn31Lys; replaces asparagine 31 with lysine.
Molecular consequence: missense variant. On other transcripts: 5 prime UTR variant (1).
Genome position (GRCh38, 1-based): chr15:89,258,712, T>G. VCF-style: chr15-89258712-T-G. GRCh37 (hg19) VCF-style: chr15-89801943-T-G.
Other names: c.-187T>G (NM_001376910.1); c.93T>G, p.Asn31Lys (NM_001376911.1, NM_018193.3); short protein forms N31K.
Identifiers: ClinVar variation 2792401 (VCV002792401.3), dbSNP rs1555442162, ClinGen allele CA7722493.

ClinVar aggregate classification (germline): Uncertain significance (1 of 4 stars; one submission).

Conditions:
Fanconi anemia (FA). Also called: Fanconi's anemia. Identifiers: Orphanet 84, MedGen C0015625, MeSH D005199, MONDO:0019391.

Allele frequency attached by ClinVar (database versions not stated): gnomAD exomes below 0.00001; ExAC 0.00001; TOPMed 0.00001.
gnomAD v4.1: 2 of 1,613,358 alleles (0.00012%); highest among the groups gnomAD compares: Non-Finnish European, 0.00017%; no homozygotes.

Submission:

Labcorp Genetics (formerly Invitae), Labcorp
Classification: Uncertain significance for Fanconi anemia. Last evaluated: 2022-10-29. Review status: criteria provided, single submitter. Criteria: Invitae Variant Classification Sherloc (09022015). Collection method: clinical testing. Allele origin: germline.
Comment: This variant is present in population databases (no rsID available, gnomAD 0.0009%). In summary, the available evidence is currently insufficient to determine the role of this variant in disease. Therefore, it has been classified as a Variant of Uncertain Significance. Advanced modeling of protein sequence and biophysical properties (such as structural, functional, and spatial information, amino acid conservation, physicochemical variation, residue mobility, and thermodynamic stability) performed at Invitae indicates that this missense variant is not expected to disrupt FANCI protein function. This variant has not been reported in the literature in individuals affected with FANCI-related conditions. This sequence change replaces asparagine, which is neutral and polar, with lysine, which is basic and polar, at codon 31 of the FANCI protein (p.Asn31Lys).